The following is an entry in ClinVar:

ClinVar aggregate classification (germline): Uncertain significance (1 of 4 stars; one submission).

Conditions:
Melnick-Needles syndrome (MNS). Also called: MELNICK-NEEDLES OSTEODYSPLASTY; OSTEODYSPLASTY OF MELNICK AND NEEDLES; Melnick-Needles Syndrome (FLNA-MNS). Identifiers: Orphanet 2484, MedGen C0025237, MONDO:0010650, OMIM 309350.
Heterotopia, periventricular, X-linked dominant (PVNH1). Also called: PERIVENTRICULAR NODULAR HETEROTOPIA 1; X-linked periventricular heterotopia; PERIVENTRICULAR NODULAR HETEROTOPIA 4; HETEROTOPIA, PERIVENTRICULAR, 1. Identifiers: Orphanet 2149, Orphanet 82004, MedGen C1848213, MONDO:0010233, OMIM 300049.
Frontometaphyseal dysplasia (FMD1). Identifiers: Orphanet 1826, MedGen C0265293, MONDO:0015942.
Oto-palato-digital syndrome, type II (OPD2). Also called: FACIOPALATOOSSEOUS SYNDROME; OPD II SYNDROME; Otopalatodigital Syndrome Type 2 (FLNA-OPD2); Otopalatodigital Syndrome, Type II. Identifiers: Orphanet 669, Orphanet 90652, MedGen C1844696, MONDO:0010571, OMIM 304120.

Submission:

Labcorp Genetics (formerly Invitae), Labcorp
Classification: Uncertain significance for Oto-palato-digital syndrome, type II; Heterotopia, periventricular, X-linked dominant; Frontometaphyseal dysplasia; Melnick-Needles syndrome. Last evaluated: 2022-02-19. Review status: criteria provided, single submitter. Criteria: Invitae Variant Classification Sherloc (09022015). Collection method: clinical testing. Allele origin: germline.
Comment: This sequence change replaces valine, which is neutral and non-polar, with leucine, which is neutral and non-polar, at codon 2329 of the FLNA protein (p.Val2329Leu). In summary, the available evidence is currently insufficient to determine the role of this variant in disease. Therefore, it has been classified as a Variant of Uncertain Significance. Advanced modeling of protein sequence and biophysical properties (such as structural, functional, and spatial information, amino acid conservation, physicochemical variation, residue mobility, and thermodynamic stability) performed at Invitae indicates that this missense variant is not expected to disrupt FLNA protein function. This variant has not been reported in the literature in individuals affected with FLNA-related conditions. This variant is not present in population databases (gnomAD no frequency).

NM_001110556.2(FLNA):c.7009G>C (p.Val2337Leu)

Gene: FLNA (filamin A; minus strand). Cytogenetic location: Xq28.
Variant type: single nucleotide variant.
Coding change: c.7009G>C on transcript NM_001110556.2 (MANE Select); coding-DNA position 7009, G replaced by C.
Protein change: p.Val2337Leu; replaces valine 2337 with leucine.
Molecular consequence: missense variant.
Genome position (GRCh38, 1-based): chrX:154,351,595, C>G on the plus strand (G>C on the coding strand, the complement: FLNA is on the minus strand). VCF-style: chrX-154351595-C-G. GRCh37 (hg19) VCF-style: chrX-153579963-C-G.
Other names: c.6985G>C, p.Val2329Leu (NM_001456.4); short protein forms V2337L, V2329L.
Identifiers: ClinVar variation 2099270 (VCV002099270.4), dbSNP rs2522718691, ClinGen allele CA415185523.